The following is an entry in ClinVar:

NM_003690.5(PRKRA):c.108T>G (p.Ile36Met)

Gene: PRKRA (protein activator of interferon induced protein kinase EIF2AK2; minus strand). Cytogenetic location: 2q31.2.
Variant type: single nucleotide variant.
Coding change: c.108T>G on transcript NM_003690.5 (MANE Select); coding-DNA position 108, T replaced by G.
Protein change: p.Ile36Met; replaces isoleucine 36 with methionine.
Molecular consequence: missense variant. On other transcripts: 5 prime UTR variant (1).
Genome position (GRCh38, 1-based): chr2:178,450,369, A>C on the plus strand (T>G on the coding strand, the complement: PRKRA is on the minus strand). VCF-style: chr2-178450369-A-C. GRCh37 (hg19) VCF-style: chr2-179315096-A-C.
Other names: c.75T>G, p.Ile25Met (NM_001139517.2); c.33T>G, p.Ile11Met (NM_001139518.2); c.-342T>G (NM_001316362.2); short protein forms I11M, I25M, I36M.
Identifiers: ClinVar variation 3777416 (VCV003777416.2).

ClinVar aggregate classification (germline): Uncertain significance (1 of 4 stars; one submission).

Submission:

GeneDx
Classification: Uncertain significance. Last evaluated: 2026-09-25. Review status: criteria provided, single submitter. Criteria: GeneDx Variant Classification Process June 2021. Collection method: clinical testing. Allele origin: germline.
Comment: Not observed at significant frequency in large population cohorts (gnomAD); In silico analysis supports that this missense variant has a deleterious effect on protein structure/function; Has not been previously published as pathogenic or benign to our knowledge